The following is an entry in ClinVar:

ClinVar aggregate classification (germline): Uncertain significance (1 of 4 stars; one submission).

Allele frequency attached by ClinVar (database versions not stated): ExAC 0.00001.

Submission:

Labcorp Genetics (formerly Invitae), Labcorp
Classification: Uncertain significance. Last evaluated: 2023-08-25. Review status: criteria provided, single submitter. Criteria: Invitae Variant Classification Sherloc (09022015). Collection method: clinical testing. Allele origin: germline.
Comment: This sequence change replaces methionine, which is neutral and non-polar, with leucine, which is neutral and non-polar, at codon 105 of the TNFAIP3 protein (p.Met105Leu). This variant is present in population databases (rs766242605, gnomAD 0.003%). This variant has not been reported in the literature in individuals affected with TNFAIP3-related conditions. Advanced modeling of protein sequence and biophysical properties (such as structural, functional, and spatial information, amino acid conservation, physicochemical variation, residue mobility, and thermodynamic stability) performed at Invitae indicates that this missense variant is not expected to disrupt TNFAIP3 protein function. In summary, the available evidence is currently insufficient to determine the role of this variant in disease. Therefore, it has been classified as a Variant of Uncertain Significance.

NM_001270508.2(TNFAIP3):c.313A>C (p.Met105Leu)

Gene: TNFAIP3 (TNF alpha induced protein 3; plus strand). Cytogenetic location: 6q23.3.
Variant type: single nucleotide variant.
Coding change: c.313A>C on transcript NM_001270508.2 (MANE Select); coding-DNA position 313, A replaced by C.
Protein change: p.Met105Leu; replaces methionine 105 with leucine.
Molecular consequence: missense variant.
Genome position (GRCh38, 1-based): chr6:137,874,862, A>C. VCF-style: chr6-137874862-A-C. GRCh37 (hg19) VCF-style: chr6-138195999-A-C.
Other names: c.313A>C, p.Met105Leu (NM_001270507.2, NM_006290.4); short protein forms M105L.
Identifiers: ClinVar variation 2755159 (VCV002755159.3), dbSNP rs766242605, ClinGen allele CA4019400.